The following is an entry in ClinVar:

NM_006567.5(FARS2):c.1186G>A (p.Val396Ile)

Gene: FARS2 (phenylalanyl-tRNA synthetase 2, mitochondrial; plus strand). Cytogenetic location: 6p25.1.
Variant type: single nucleotide variant.
Coding change: c.1186G>A on transcript NM_006567.5 (MANE Select); coding-DNA position 1186, G replaced by A.
Protein change: p.Val396Ile; replaces valine 396 with isoleucine.
Molecular consequence: missense variant.
Genome position (GRCh38, 1-based): chr6:5,613,289, G>A. VCF-style: chr6-5613289-G-A. GRCh37 (hg19) VCF-style: chr6-5613522-G-A.
Other names: c.1186G>A, p.Val396Ile (NM_001318872.2, NM_001374875.1, NM_001374876.1 and 4 more transcripts); c.1054G>A, p.Val352Ile (NM_001375258.1); c.490G>A, p.Val164Ile (NM_001375259.1, NM_001375260.1); short protein forms V352I, V396I, V164I.
Identifiers: ClinVar variation 1481994 (VCV001481994.8), dbSNP rs1036424702, ClinGen allele CA134338679.

ClinVar aggregate classification (germline): Uncertain significance. Review status: criteria provided, multiple submitters, no conflicts (2 of 4 stars). 2 submissions from 2 submitters: Uncertain significance (2). Last evaluated 2025-07-02.

Conditions:
Combined oxidative phosphorylation defect type 14. Also called: Combined oxidative phosphorylation deficiency 14. Identifiers: Orphanet 319519, MedGen C4755312, MONDO:0013986, OMIM 614946.

Allele frequency attached by ClinVar (database versions not stated): gnomAD exomes 0.00001.
gnomAD v4.1: 12 of 1,613,422 alleles (0.00074%); highest among the groups gnomAD compares: Admixed American, 0.0017%; no homozygotes.

Submissions (2):

Labcorp Genetics (formerly Invitae), Labcorp
Classification: Uncertain significance for Combined oxidative phosphorylation defect type 14. Last evaluated: 2025-07-02. Review status: criteria provided, single submitter. Criteria: Invitae Variant Classification Sherloc (09022015). Collection method: clinical testing. Allele origin: germline.
Comment: This sequence change replaces valine, which is neutral and non-polar, with isoleucine, which is neutral and non-polar, at codon 396 of the FARS2 protein (p.Val396Ile). This variant is not present in population databases (gnomAD no frequency). This variant has not been reported in the literature in individuals affected with FARS2-related conditions. ClinVar contains an entry for this variant (Variation ID: 1481994). Invitae Evidence Modeling of protein sequence and biophysical properties (such as structural, functional, and spatial information, amino acid conservation, physicochemical variation, residue mobility, and thermodynamic stability) indicates that this missense variant is not expected to disrupt FARS2 protein function with a negative predictive value of 80%. In summary, the available evidence is currently insufficient to determine the role of this variant in disease. Therefore, it has been classified as a Variant of Uncertain Significance.

Blueprint Genetics
Classification: Uncertain significance. Last evaluated: 2024-02-19. Review status: criteria provided, single submitter. Criteria: ACMG Guidelines, 2015. Collection method: clinical testing. Allele origin: germline.